The following is an entry in ClinVar:

NM_001005498.4(RHBDF2):c.100C>T (p.Pro34Ser)

Gene: RHBDF2 (rhomboid 5 homolog 2; minus strand). Cytogenetic location: 17q25.1.
Variant type: single nucleotide variant.
Coding change: c.100C>T on transcript NM_001005498.4 (MANE Select); coding-DNA position 100, C replaced by T.
Protein change: p.Pro34Ser; replaces proline 34 with serine.
Molecular consequence: missense variant. On other transcripts: non-coding transcript variant (3).
Genome position (GRCh38, 1-based): chr17:76,481,425, G>A on the plus strand (C>T on the coding strand, the complement: RHBDF2 is on the minus strand). VCF-style: chr17-76481425-G-A. GRCh37 (hg19) VCF-style: chr17-74477507-G-A.
Other names: c.100C>T, p.Pro34Ser (NM_001376228.1, NM_001376229.1, NM_001376230.1 and 1 more transcripts); short protein forms P34S.
Identifiers: ClinVar variation 3686544 (VCV003686544.2).
Genomic context (GRCh38, chr17:76,481,425, plus strand): 5'-GCCCCCTTACCTCAGGCAGCATGCTGTCCTGCTCGCCAGGGGCCTGGGTCTCTTTCTCGG[G>A]TGGCGGGATGGTGATGGAGAGGTTGGGTGGCTTCCGGCTCTGCAGGCGGCTGCTGGACAC-3'
Protein context (NP_001005498.2, residues 24-44): PPNLSITIPP[Pro34Ser]EKETQAPGEQ

ClinVar aggregate classification (germline): Uncertain significance (1 of 4 stars; one submission).

gnomAD v4.1: 14 of 1,612,842 alleles (0.00087%); highest among the groups gnomAD compares: Non-Finnish European, 0.001%; no homozygotes.

Submission:

Labcorp Genetics (formerly Invitae), Labcorp
Classification: Uncertain significance. Last evaluated: 2024-03-19. Review status: criteria provided, single submitter. Criteria: Invitae Variant Classification Sherloc (09022015). Collection method: clinical testing. Allele origin: germline.
Comment: This sequence change replaces proline, which is neutral and non-polar, with serine, which is neutral and polar, at codon 34 of the RHBDF2 protein (p.Pro34Ser). This variant is present in population databases (rs774779135, gnomAD 0.006%). This variant has not been reported in the literature in individuals affected with RHBDF2-related conditions. An algorithm developed to predict the effect of missense changes on protein structure and function (PolyPhen-2) suggests that this variant is likely to be tolerated. In summary, the available evidence is currently insufficient to determine the role of this variant in disease. Therefore, it has been classified as a Variant of Uncertain Significance.